The following is an entry in ClinVar:

ClinVar aggregate classification (germline): Uncertain significance (1 of 4 stars; one submission).

Allele frequency attached by ClinVar (database versions not stated): gnomAD exomes below 0.00001; TOPMed below 0.00001; ExAC 0.00001; gnomAD 0.00001.
gnomAD v4.1: 7 of 1,614,064 alleles (0.00043%); highest among the groups gnomAD compares: Non-Finnish European, 0.00059%; no homozygotes.

Submission:

Labcorp Genetics (formerly Invitae), Labcorp
Classification: Uncertain significance. Last evaluated: 2021-04-23. Review status: criteria provided, single submitter. Criteria: Invitae Variant Classification Sherloc (09022015). Collection method: clinical testing. Allele origin: germline.
Comment: In summary, the available evidence is currently insufficient to determine the role of this variant in disease. Therefore, it has been classified as a Variant of Uncertain Significance. Algorithms developed to predict the effect of sequence changes on RNA splicing suggest that this variant is not likely to affect RNA splicing, but this prediction has not been confirmed by published transcriptional studies. This variant has not been reported in the literature in individuals with CCDC88A-related conditions. This variant is present in population databases (rs760761141, ExAC 0.001%). This sequence change affects codon 1849 of the CCDC88A mRNA. It is a 'silent' change, meaning that it does not change the encoded amino acid sequence of the CCDC88A protein.

NM_001365480.1(CCDC88A):c.5550T>C (p.Ser1850=)

Gene: CCDC88A (coiled-coil and HOOK domain protein 88A; minus strand). Cytogenetic location: 2p16.1.
Variant type: single nucleotide variant.
Coding change: c.5550T>C on transcript NM_001365480.1 (MANE Select); coding-DNA position 5550, T replaced by C.
Protein change: p.Ser1850=; no amino-acid change (serine 1850 retained).
Molecular consequence: synonymous variant.
Genome position (GRCh38, 1-based): chr2:55,295,598, A>G on the plus strand (T>C on the coding strand, the complement: CCDC88A is on the minus strand). VCF-style: chr2-55295598-A-G. GRCh37 (hg19) VCF-style: chr2-55522734-A-G.
Other names: c.5547T>C, p.Ser1849= (NM_001135597.2); c.5325T>C, p.Ser1775= (NM_001254943.2); c.5466T>C, p.Ser1822= (NM_018084.5).
Identifiers: ClinVar variation 1500312 (VCV001500312.8), dbSNP rs760761141, ClinGen allele CA1665309.